The following is an entry in ClinVar:

NM_000283.4(PDE6B):c.1159C>T (p.Pro387Ser)

Gene: PDE6B (phosphodiesterase 6B; plus strand). Cytogenetic location: 4p16.3.
Variant type: single nucleotide variant.
Coding change: c.1159C>T on transcript NM_000283.4 (MANE Select); coding-DNA position 1159, C replaced by T.
Protein change: p.Pro387Ser; replaces proline 387 with serine.
Molecular consequence: missense variant.
Genome position (GRCh38, 1-based): chr4:656,925, C>T. VCF-style: chr4-656925-C-T. GRCh37 (hg19) VCF-style: chr4-650714-C-T.
Other names: c.1159C>T, p.Pro387Ser (NM_001145291.2); c.322C>T, p.Pro108Ser (NM_001145292.2, NM_001350154.3, NM_001379246.1 and 1 more transcripts); c.4C>T, p.Pro2Ser (NM_001350155.3); short protein forms P2S, P387S, P108S.
Identifiers: ClinVar variation 2127735 (VCV002127735.4), dbSNP rs2474211399, ClinGen allele CA355913162.
Genomic context (GRCh38, chr4:656,925, plus strand): 5'-CTCCCGCAGGAAGGGGCCCTGGACGACTCCGGGTGGCTCATCAAGAATGTGCTGTCCATG[C>T]CCATCGTCAACAAGAAGGAGGAGATTGTGGGAGTCGCCACATTTTACAACAGGAAAGACG-3'
Protein context (NP_000274.3, residues 377-397): GWLIKNVLSM[Pro387Ser]IVNKKEEIVG

ClinVar aggregate classification (germline): Uncertain significance (1 of 4 stars; one submission).

gnomAD v4.1: 1 of 1,612,770 alleles (0.000062%); highest among the groups gnomAD compares: Non-Finnish European, 0.000085%; no homozygotes.

Submission:

Labcorp Genetics (formerly Invitae), Labcorp
Classification: Uncertain significance. Last evaluated: 2023-05-08. Review status: criteria provided, single submitter. Criteria: Invitae Variant Classification Sherloc (09022015). Collection method: clinical testing. Allele origin: germline.
Comment: This variant has not been reported in the literature in individuals affected with PDE6B-related conditions. This variant is not present in population databases (gnomAD no frequency). This sequence change replaces proline, which is neutral and non-polar, with serine, which is neutral and polar, at codon 387 of the PDE6B protein (p.Pro387Ser). ClinVar contains an entry for this variant (Variation ID: 2127735). In summary, the available evidence is currently insufficient to determine the role of this variant in disease. Therefore, it has been classified as a Variant of Uncertain Significance. This variant disrupts the p.Pro387 amino acid residue in PDE6B. Other variant(s) that disrupt this residue have been determined to be pathogenic (PMID: 21655355; Invitiae). This suggests that this residue is clinically significant, and that variants that disrupt this residue are likely to be disease-causing. Advanced modeling of protein sequence and biophysical properties (such as structural, functional, and spatial information, amino acid conservation, physicochemical variation, residue mobility, and thermodynamic stability) has been performed at Invitae for this missense variant, however the output from this modeling did not meet the statistical confidence thresholds required to predict the impact of this variant on PDE6B protein function.

Literature cited by the submitters: PubMed 21655355.